The following is an entry in ClinVar:

NM_013275.6(ANKRD11):c.5657T>G (p.Leu1886Ter)

Gene: ANKRD11 (ankyrin repeat domain 11; minus strand). Cytogenetic location: 16q24.3.
Variant type: single nucleotide variant.
Coding change: c.5657T>G on transcript NM_013275.6 (MANE Select); coding-DNA position 5657, T replaced by G.
Protein change: p.Leu1886Ter; replaces leucine 1886 with a stop codon.
Molecular consequence: nonsense.
Genome position (GRCh38, 1-based): chr16:89,280,885, A>C on the plus strand (T>G on the coding strand, the complement: ANKRD11 is on the minus strand). VCF-style: chr16-89280885-A-C. GRCh37 (hg19) VCF-style: chr16-89347293-A-C.
Other names: c.5657T>G, p.Leu1886Ter (NM_001256182.2, NM_001256183.2); short protein forms L1886*.
Identifiers: ClinVar variation 4857232 (VCV004857232.1).
Genomic context (GRCh38, chr16:89,280,885, plus strand): 5'-GCCCCTTCGAGGGAAGGAACCAGCAGCTCGGCTCTGGGGGAAGGGGAAGGTTTTGCTTGT[A>C]AACTTGAGAAGACGCCCTCTGGAGACGGGGTGACAGTGACAACGGCAGCCGGTGGGCAGT-3'

ClinVar aggregate classification (germline): Likely pathogenic (1 of 4 stars; one submission).

Conditions:
KBG syndrome (KBGS). Also called: ANKRD11-Related KBG Syndrome. Identifiers: Orphanet 2332, MedGen C0220687, MONDO:0007846, OMIM 148050.

Submission:

Molecular Genetics Laboratory, Motol Hospital
Classification: Likely pathogenic for KBG syndrome. Last evaluated: 2026-06-05. Review status: criteria provided, single submitter. Criteria: ACMG Guidelines, 2015. Collection method: clinical testing. Allele origin: paternal. Inheritance: Autosomal dominant inheritance. Affected: yes. Observed: 1 variant allele, 1 heterozygote.
Comment: A rare variant not present in non-Finnish European population (gnomAD v4.1.1) (PM2). Rare truncating variants in the ANKRD11 gene are associated with autosomal dominant KBG syndrome (PVS1). Approximately 1/3 cases have familial segregation with inter- and intrafamilial variability. The variant is classified as likely pathogenic.

Literature cited by the submitters: PubMed 27667800; PubMed 21782149; PubMed 29258554; NCBI Bookshelf 487886.